The following is an entry in ClinVar:

NM_138927.4(SON):c.1359G>T (p.Leu453Phe)

Gene: SON (SON DNA and RNA binding protein; plus strand). Cytogenetic location: 21q22.11.
Variant type: single nucleotide variant.
Coding change: c.1359G>T on transcript NM_138927.4 (MANE Select); coding-DNA position 1359, G replaced by T.
Protein change: p.Leu453Phe; replaces leucine 453 with phenylalanine.
Molecular consequence: missense variant. On other transcripts: non-coding transcript variant (1), intron variant (1).
Genome position (GRCh38, 1-based): chr21:33,550,590, G>T. VCF-style: chr21-33550590-G-T. GRCh37 (hg19) VCF-style: chr21-34922896-G-T.
Other names: c.1359G>T, p.Leu453Phe (NM_001291411.2, NM_032195.3); c.244+4211G>T (NM_001291412.3); short protein forms L453F.
Identifiers: ClinVar variation 1300898 (VCV001300898.4), dbSNP rs2145818992, ClinGen allele CA410153652.

ClinVar aggregate classification (germline): Likely benign (1 of 4 stars; one submission).

Conditions:
ZTTK syndrome (ZTTKS). Also called: Zhu-Tokita-Takenouchi-Kim Syndrome; ZTTK MULTIPLE CONGENITAL ANOMALIES-MENTAL RETARDATION SYNDROME. Identifiers: Orphanet 500150, MedGen C4310696, MONDO:0014936, OMIM 617140.

Submission:

GeneDx
Classification: Likely benign. Last evaluated: 2020-11-02. Review status: criteria provided, single submitter. Criteria: GeneDx Variant Classification Process June 2021. Collection method: clinical testing. Allele origin: germline. Affected: yes.
Comment: Not observed in large population cohorts (Lek et al., 2016); In silico analysis supports that this missense variant does not alter protein structure/function; Has not been previously published as pathogenic or benign to our knowledge